The following is an entry in ClinVar:

ClinVar aggregate classification (germline): Benign/Likely benign. Review status: criteria provided, multiple submitters, no conflicts (2 of 4 stars). 4 submissions from 4 submitters: Benign (1); Likely benign (3). Last evaluated 2025-05-21.

Conditions:
Hereditary cancer-predisposing syndrome. Also called: Neoplastic Syndromes, Hereditary; Tumor predisposition; Hereditary Cancer Syndrome; Hereditary neoplastic syndrome. Identifiers: Orphanet 140162, MedGen C0027672, MeSH D009386, MONDO:0015356.
Familial adenomatous polyposis 1 (FAP1). Also called: FAMILIAL ADENOMATOUS POLYPOSIS 1, ATTENUATED; POLYPOSIS, ADENOMATOUS INTESTINAL. Identifiers: MedGen C2713442, MONDO:0021056, OMIM 175100. Disease mechanism: loss of function.

Submissions (4):

Labcorp Genetics (formerly Invitae), Labcorp
Classification: Likely benign for Familial adenomatous polyposis 1. Last evaluated: 2025-05-21. Review status: criteria provided, single submitter. Criteria: Invitae Variant Classification Sherloc (09022015). Collection method: clinical testing. Allele origin: germline.

Myriad Genetics, Inc.
Classification: Benign for Familial adenomatous polyposis 1. Last evaluated: 2024-02-22. Review status: criteria provided, single submitter. Criteria: Myriad Autosomal Dominant, Autosomal Recessive and X-Linked Classification Criteria (2023). Collection method: clinical testing. Allele origin: unknown.
Comment: This variant is considered benign. This variant is a silent/synonymous amino acid change and it is not expected to impact splicing.

Color Diagnostics, LLC DBA Color Health
Classification: Likely benign for Hereditary cancer-predisposing syndrome. Last evaluated: 2018-12-03. Review status: criteria provided, single submitter. Criteria: ACMG Guidelines, 2015. Collection method: clinical testing. Allele origin: germline.

Ambry Genetics
Classification: Likely benign for Hereditary cancer-predisposing syndrome. Last evaluated: 2017-11-21. Review status: criteria provided, single submitter. Criteria: Ambry Variant Classification Scheme 2023. Collection method: clinical testing. Allele origin: germline.

NM_000038.6(APC):c.81A>C (p.Leu27=)

Gene: APC (APC regulator of Wnt signaling pathway; plus strand). Cytogenetic location: 5q22.2.
Variant type: single nucleotide variant.
Coding change: c.81A>C on transcript NM_000038.6 (MANE Select); coding-DNA position 81, A replaced by C.
Protein change: p.Leu27=; no amino-acid change (leucine 27 retained).
Molecular consequence: synonymous variant. On other transcripts: 5 prime UTR variant (1), intron variant (8).
Genome position (GRCh38, 1-based): chr5:112,754,971, A>C. VCF-style: chr5-112754971-A-C. GRCh37 (hg19) VCF-style: chr5-112090668-A-C.
Other names: c.81A>C, p.Leu27= (NM_001127510.3, NM_001354895.2, NM_001354896.2 and 2 more transcripts); c.-955A>C (NM_001354906.2); c.166-11355A>C (NM_001354897.2, NM_001354902.2, NM_001127511.3); c.61-11355A>C (NM_001354898.2, NM_001354904.2); c.-42-11355A>C (NM_001354900.2, NM_001354901.2, NM_001354905.2).
Identifiers: ClinVar variation 925021 (VCV000925021.14), dbSNP rs759312196, ClinGen allele CA445752496.